The following is an entry in ClinVar:

NM_152309.3(PIK3AP1):c.2305C>A (p.Pro769Thr)

Gene: PIK3AP1 (phosphoinositide-3-kinase adaptor protein 1; minus strand). Cytogenetic location: 10q24.1.
Variant type: single nucleotide variant.
Coding change: c.2305C>A on transcript NM_152309.3 (MANE Select); coding-DNA position 2305, C replaced by A.
Protein change: p.Pro769Thr; replaces proline 769 with threonine.
Molecular consequence: missense variant.
Genome position (GRCh38, 1-based): chr10:96,602,335, G>T on the plus strand (C>A on the coding strand, the complement: PIK3AP1 is on the minus strand). VCF-style: chr10-96602335-G-T. GRCh37 (hg19) VCF-style: chr10-98362092-G-T.
Other names: short protein forms P769T.
Identifiers: ClinVar variation 1368718 (VCV001368718.8), dbSNP rs1554951926, ClinGen allele CA377749169.

ClinVar aggregate classification (germline): Uncertain significance (1 of 4 stars; one submission).

Conditions:
Infantile spasms. Also called: Infantile spasm. Identifiers: MedGen C3887898, HP:0012469.

Allele frequency attached by ClinVar (database versions not stated): TOPMed below 0.00001.

Submission:

Labcorp Genetics (formerly Invitae), Labcorp
Classification: Uncertain significance for Infantile spasms. Last evaluated: 2021-02-02. Review status: criteria provided, single submitter. Criteria: Invitae Variant Classification Sherloc (09022015). Collection method: clinical testing. Allele origin: germline.
Comment: In summary, the available evidence is currently insufficient to determine the role of this variant in disease. Therefore, it has been classified as a Variant of Uncertain Significance. Algorithms developed to predict the effect of missense changes on protein structure and function are either unavailable or do not agree on the potential impact of this missense change (SIFT: "Deleterious"; PolyPhen-2: "Benign"; Align-GVGD: "Class C35"). This variant has not been reported in the literature in individuals with PIK3AP1-related conditions. This variant is not present in population databases (ExAC no frequency). This sequence change replaces proline with threonine at codon 769 of the PIK3AP1 protein (p.Pro769Thr). The proline residue is highly conserved and there is a small physicochemical difference between proline and threonine.